The following is an entry in ClinVar:

NM_001032283.3(TMPO):c.565+1348C>T

Gene: TMPO (thymopoietin; plus strand). Cytogenetic location: 12q23.1.
Variant type: single nucleotide variant.
Coding change: c.565+1348C>T on transcript NM_001032283.3 (MANE Select); 1348 bases into the intron after coding-DNA position 565, C replaced by T.
Molecular consequence: intron variant. On other transcripts: missense variant (1).
Genome position (GRCh38, 1-based): chr12:98,533,186, C>T. VCF-style: chr12-98533186-C-T. GRCh37 (hg19) VCF-style: chr12-98926964-C-T.
Other names: c.929C>T, p.Ser310Phe (NM_003276.2); c.565+1348C>T (NM_001307975.2, NM_001032284.3); short protein forms S310F.
Identifiers: ClinVar variation 2562959 (VCV002562959.2), dbSNP rs892009882, ClinGen allele CA242224449.

ClinVar aggregate classification (germline): Uncertain significance (1 of 4 stars; one submission).

Allele frequency attached by ClinVar (database versions not stated): gnomAD exomes below 0.00001; TOPMed below 0.00001.
gnomAD v4.1: 1 of 1,614,120 alleles (0.000062%); highest among the groups gnomAD compares: Non-Finnish European, 0.000085%; no homozygotes.

Submission:

Ambry Genetics
Classification: Uncertain significance. Last evaluated: 2023-04-22. Review status: criteria provided, single submitter. Criteria: Ambry Variant Classification Scheme 2023. Collection method: clinical testing. Allele origin: germline.
Comment: The p.S310F variant (also known as c.929C>T), located in coding exon 4 of the TMPO gene, results from a C to T substitution at nucleotide position 929. The serine at codon 310 is replaced by phenylalanine, an amino acid with highly dissimilar properties. This amino acid position is conserved. In addition, this alteration is predicted to be tolerated by in silico analysis. Since supporting evidence is limited at this time, the clinical significance of this alteration remains unclear.